The following is an entry in ClinVar:

NM_001355436.2(SPTB):c.251A>T (p.Asp84Val)

Gene: SPTB (spectrin beta, erythrocytic; minus strand). Cytogenetic location: 14q23.3.
Variant type: single nucleotide variant.
Coding change: c.251A>T on transcript NM_001355436.2 (MANE Select); coding-DNA position 251, A replaced by T.
Protein change: p.Asp84Val; replaces aspartic acid 84 with valine.
Molecular consequence: missense variant.
Genome position (GRCh38, 1-based): chr14:64,804,988, T>A on the plus strand (A>T on the coding strand, the complement: SPTB is on the minus strand). VCF-style: chr14-64804988-T-A. GRCh37 (hg19) VCF-style: chr14-65271706-T-A.
Other names: c.251A>T, p.Asp84Val (NM_001024858.4, NM_001355437.2); short protein forms D84V.
Identifiers: ClinVar variation 4852113 (VCV004852113.1).

ClinVar aggregate classification (germline): Likely pathogenic (1 of 4 stars; one submission).

Conditions:
Hereditary spherocytosis type 2. Also called: SPHEROCYTOSIS, TYPE 2, AUTOSOMAL DOMINANT. Identifiers: Orphanet 822, MedGen C2674219, MONDO:0000913, OMIM 616649.

Submission:

Centre for Medical Genetics,  Mumbai
Classification: Likely pathogenic for Hereditary spherocytosis type 2. Last evaluated: 2026-04-21. Review status: criteria provided, single submitter. Criteria: ACMG Guidelines, 2015. Collection method: provider interpretation. Allele origin: germline. Inheritance: Autosomal dominant inheritance. Affected: yes.
Comment: The variant satisfies PM2 criteria - extremely low frequency in gnomAD population databases. The variant satisfies PP3 criteria - for a missense or a splicing region variant, computational prediction tools unanimously support a deleterious effect on the gene. Hence, it should be considered as a likely pathogenic variant.

Literature cited by the submitters: PubMed 11703334.